The following is an entry in ClinVar:

ClinVar aggregate classification (germline): Likely benign. Review status: criteria provided, multiple submitters, no conflicts (2 of 4 stars). 2 submissions from 2 submitters: Likely benign (2). Last evaluated 2025-10-09.

Conditions:
GSN-related disorder. Also called: GSN-related condition.

Allele frequency attached by ClinVar (database versions not stated): ExAC 0.00001; 1000 Genomes Project 30x 0.00016; 1000 Genomes Project 0.00020.
gnomAD v4.1: 47 of 1,614,112 alleles (0.0029%); highest among the groups gnomAD compares: African/African-American, 0.015%; no homozygotes.

Submissions (2):

PreventionGenetics, part of Exact Sciences
Classification: Likely benign for GSN-related condition. Last evaluated: 2025-10-09. Review status: criteria provided, single submitter. Criteria: ACMG Guidelines, 2015. Collection method: clinical testing. Allele origin: germline.
Comment: This variant is classified as likely benign based on ACMG/AMP sequence variant interpretation guidelines (Richards et al. 2015 PMID: 25741868, with internal and published modifications).

Labcorp Genetics (formerly Invitae), Labcorp
Classification: Likely benign. Last evaluated: 2025-03-18. Review status: criteria provided, single submitter. Criteria: Invitae Variant Classification Sherloc (09022015). Collection method: clinical testing. Allele origin: germline.

NM_198252.3(GSN):c.1116C>T (p.Asp372=)

Gene: GSN (gelsolin; plus strand). Cytogenetic location: 9q33.2.
Variant type: single nucleotide variant.
Coding change: c.1116C>T on transcript NM_198252.3 (MANE Select); coding-DNA position 1116, C replaced by T.
Protein change: p.Asp372=; no amino-acid change (aspartic acid 372 retained).
Molecular consequence: synonymous variant.
Genome position (GRCh38, 1-based): chr9:121,318,805, C>T. VCF-style: chr9-121318805-C-T. GRCh37 (hg19) VCF-style: chr9-124081083-C-T.
Other names: c.1269C>T (NM_000177.4); c.1269C>T, p.Asp423= (NM_000177.5); c.1116C>T, p.Asp372= (NM_001127662.2, NM_001127664.2, NM_001127665.2 and 10 more transcripts); c.1224C>T, p.Asp408= (NM_001127663.2); c.1149C>T, p.Asp383= (NM_001127666.2, NM_001127667.2, NM_001353063.2 and 13 more transcripts); c.1167C>T, p.Asp389= (NM_001258029.2); c.1140C>T, p.Asp380= (NM_001258030.2); c.1188C>T, p.Asp396= (NM_001353076.2); and 1 more.
Identifiers: ClinVar variation 2414491 (VCV002414491.8), dbSNP rs570941875, ClinGen allele CA5221150.